The following is an entry in ClinVar:

ClinVar aggregate classification (germline): Likely benign. Review status: criteria provided, multiple submitters, no conflicts (2 of 4 stars). 4 submissions from 4 submitters: Likely benign (4). Last evaluated 2026-02-01.

Allele frequency attached by ClinVar (database versions not stated): ESP Exome Variant Server 0.00032; TOPMed 0.00041; 1000 Genomes Project 30x 0.00047; gnomAD 0.00051 and 0.00052; 1000 Genomes Project 0.00060; gnomAD exomes 0.00065 and 0.00072; ExAC 0.00102.
gnomAD v4.1: 1,119 of 1,600,634 alleles (0.07%); highest among the groups gnomAD compares: South Asian, 0.1%; 2 homozygotes.

Submissions (4):

CeGaT Center for Human Genetics Tuebingen
Classification: Likely benign. Last evaluated: 2026-02-01. Review status: criteria provided, single submitter. Criteria: CeGaT Center For Human Genetics Tuebingen Variant Classification Criteria Version 2. Collection method: clinical testing. Allele origin: germline. Affected: yes. Observed: 3 variant alleles.
Comment: MYO18B: BP4, BP7

Labcorp Genetics (formerly Invitae), Labcorp
Classification: Likely benign. Last evaluated: 2026-01-21. Review status: criteria provided, single submitter. Criteria: Invitae Variant Classification Sherloc (09022015). Collection method: clinical testing. Allele origin: germline.

Blueprint Genetics
Classification: Likely benign. Last evaluated: 2024-10-07. Review status: criteria provided, single submitter. Criteria: ACMG Guidelines, 2015. Collection method: clinical testing. Allele origin: germline.

Women's Health and Genetics/Laboratory Corporation of America, LabCorp
Classification: Likely benign. Last evaluated: 2024-07-12. Review status: criteria provided, single submitter. Criteria: LabCorp Variant Classification Summary - May 2015. Collection method: clinical testing. Allele origin: germline.

NM_032608.7(MYO18B):c.1317A>G (p.Gly439=)

Gene: MYO18B (myosin XVIIIB; plus strand). Cytogenetic location: 22q12.1.
Variant type: single nucleotide variant.
Coding change: c.1317A>G on transcript NM_032608.7 (MANE Select); coding-DNA position 1317, A replaced by G.
Protein change: p.Gly439=; no amino-acid change (glycine 439 retained).
Molecular consequence: synonymous variant.
Genome position (GRCh38, 1-based): chr22:25,769,233, A>G. VCF-style: chr22-25769233-A-G. GRCh37 (hg19) VCF-style: chr22-26165200-A-G.
Other names: c.1317A>G, p.Gly439= (NM_001318245.2).
Identifiers: ClinVar variation 771223 (VCV000771223.35), dbSNP rs376593374, ClinGen allele CA10159803.
Genomic context (GRCh38, chr22:25,769,233, plus strand): 5'-AAAGGAGGTGAGCACAATGGTGGAGTCGCCAGCAGCTCCTGGGAAGGGAGGCTGGCCAGG[A>G]AGCCGTGGGCAGGAAGCAGAGGAGCCCTGCTCAAGAGCAGGTGATGGGGCTGGTGCCCTG-3'
Protein context (NP_115997.5, residues 429-449): PAAPGKGGWP[Gly439=]SRGQEAEEPC